The following is an entry in ClinVar:

NM_182931.3(KMT2E):c.5446G>A (p.Gly1816Ser)

Gene: KMT2E (lysine methyltransferase 2E (inactive); plus strand). Cytogenetic location: 7q22.3.
Variant type: single nucleotide variant.
Coding change: c.5446G>A on transcript NM_182931.3 (MANE Select); coding-DNA position 5446, G replaced by A.
Protein change: p.Gly1816Ser; replaces glycine 1816 with serine.
Molecular consequence: missense variant.
Genome position (GRCh38, 1-based): chr7:105,113,202, G>A. VCF-style: chr7-105113202-G-A. GRCh37 (hg19) VCF-style: chr7-104753649-G-A.
Other names: c.5320G>A, p.Gly1774Ser (NM_001410908.1); c.5446G>A, p.Gly1816Ser (NM_018682.4); short protein forms G1816S, G1774S.
Identifiers: ClinVar variation 2778771 (VCV002778771.3), dbSNP rs773989108, ClinGen allele CA164025097.
Genomic context (GRCh38, chr7:105,113,202, plus strand): 5'-CAGCCCCAAGGACCAAACAGTATTCCAACACCTACTGCTTCAGGGTTCTGTCCTCATCCT[G>A]GCTCTGTGGCCCTGCCACATGGGGTTCAAGGACCTCAGCAGGCATCTCCAGTGCCTGGAC-3'
Protein context (NP_891847.1, residues 1806-1826): PTASGFCPHP[Gly1816Ser]SVALPHGVQG

ClinVar aggregate classification (germline): Uncertain significance (1 of 4 stars; one submission).

Allele frequency attached by ClinVar (database versions not stated): TOPMed below 0.00001; gnomAD exomes 0.00001.
gnomAD v4.1: 10 of 1,614,184 alleles (0.00062%); highest among the groups gnomAD compares: Non-Finnish European, 0.00085%; no homozygotes.

Submission:

Labcorp Genetics (formerly Invitae), Labcorp
Classification: Uncertain significance. Last evaluated: 2023-11-28. Review status: criteria provided, single submitter. Criteria: Invitae Variant Classification Sherloc (09022015). Collection method: clinical testing. Allele origin: germline.
Comment: This sequence change replaces glycine, which is neutral and non-polar, with serine, which is neutral and polar, at codon 1816 of the KMT2E protein (p.Gly1816Ser). This variant is not present in population databases (gnomAD no frequency). This variant has not been reported in the literature in individuals affected with KMT2E-related conditions. An algorithm developed to predict the effect of missense changes on protein structure and function (PolyPhen-2) suggests that this variant is likely to be disruptive. In summary, the available evidence is currently insufficient to determine the role of this variant in disease. Therefore, it has been classified as a Variant of Uncertain Significance.